The following is an entry in ClinVar:

NM_001127222.2(CACNA1A):c.1198+168T>C

Gene: CACNA1A (calcium voltage-gated channel subunit alpha1 A; minus strand). Cytogenetic location: 19p13.13.
Variant type: single nucleotide variant.
Coding change: c.1198+168T>C on transcript NM_001127222.2 (MANE Select); 168 bases into the intron after coding-DNA position 1198, T replaced by C.
Molecular consequence: intron variant.
Genome position (GRCh38, 1-based): chr19:13,334,210, A>G on the plus strand (T>C on the coding strand, the complement: CACNA1A is on the minus strand). VCF-style: chr19-13334210-A-G. GRCh37 (hg19) VCF-style: chr19-13445024-A-G.
Other names: c.1198+168T>C (NM_001127221.2, NM_001174080.2, NM_000068.4 and 1 more transcripts).
Identifiers: ClinVar variation 677331 (VCV000677331.2), dbSNP rs79653562, ClinGen allele CA305539623.

ClinVar aggregate classification (germline): Benign. Review status: criteria provided, multiple submitters, no conflicts (2 of 4 stars). 2 submissions from 2 submitters: Benign (2). Last evaluated 2018-06-19.

Allele frequency attached by ClinVar (database versions not stated): gnomAD exomes 0.00402; gnomAD 0.03246 and 0.03515; 1000 Genomes Project 0.03534; TOPMed 0.03665; 1000 Genomes Project 30x 0.03732.
gnomAD v4.1: 6,737 of 579,306 alleles (1.2%); highest among the groups gnomAD compares: African/African-American, 11%; 343 homozygotes.

Submissions (2):

GeneDx
Classification: Benign. Last evaluated: 2018-06-19. Review status: criteria provided, single submitter. Criteria: GeneDx Variant Classification (06012015). Collection method: clinical testing. Allele origin: germline. Affected: yes.
Comment: This variant is considered likely benign or benign based on one or more of the following criteria: it is a conservative change, it occurs at a poorly conserved position in the protein, it is predicted to be benign by multiple in silico algorithms, and/or has population frequency not consistent with disease.

Breakthrough Genomics
Classification: Benign. Review status: criteria provided, single submitter. Criteria: ACMG Guidelines, 2015. Collection method: not provided. Allele origin: germline. Inheritance: Autosomal dominant inheritance. Affected: yes.